The following is an entry in ClinVar:

NM_000059.4(BRCA2):c.7415A>T (p.Lys2472Met)

Gene: BRCA2 (BRCA2 DNA repair associated; plus strand). Cytogenetic location: 13q13.1.
Variant type: single nucleotide variant.
Coding change: c.7415A>T on transcript NM_000059.4 (MANE Select); coding-DNA position 7415, A replaced by T.
Protein change: p.Lys2472Met; replaces lysine 2472 with methionine.
Molecular consequence: missense variant.
Genome position (GRCh38, 1-based): chr13:32,355,268, A>T. VCF-style: chr13-32355268-A-T. GRCh37 (hg19) VCF-style: chr13-32929405-A-T.
Other names: c.7319A>T, p.Lys2440Met (NM_001406719.1); c.7415A>T, p.Lys2472Met (NM_001406720.1); c.2483A>T, p.Lys828Met (NM_001406721.1); c.998A>T, p.Lys333Met (NM_001406722.1); short protein forms K333M, K828M, K2440M, K2472M.
Identifiers: ClinVar variation 1758801 (VCV001758801.7), dbSNP rs80358963, ClinGen allele CA387741940.

ClinVar aggregate classification (germline): Uncertain significance. Review status: criteria provided, multiple submitters, no conflicts (2 of 4 stars). 2 submissions from 2 submitters: Uncertain significance (2). Last evaluated 2025-11-05.

Conditions:
Hereditary cancer-predisposing syndrome. Also called: Neoplastic Syndromes, Hereditary; Tumor predisposition; Hereditary Cancer Syndrome; Hereditary neoplastic syndrome. Identifiers: Orphanet 140162, MedGen C0027672, MeSH D009386, MONDO:0015356.
Hereditary breast ovarian cancer syndrome. Also called: Hereditary breast and/or ovarian cancer syndrome; Hereditary breast and ovarian cancer syndrome; Breast and ovarian cancer; Hereditary breast and ovarian cancer; BRCA1- and BRCA2-Associated Hereditary Breast and Ovarian Cancer; Hereditary breast and ovarian cancer syndrome (HBOC). Identifiers: Orphanet 145, MedGen C0677776, MeSH D061325, MONDO:0003582. Disease mechanism: loss of function.

Allele frequency attached by ClinVar (database versions not stated): gnomAD 0.00001.
gnomAD v4.1: 2 of 1,613,666 alleles (0.00012%); highest among the groups gnomAD compares: Non-Finnish European, 0.00017%; no homozygotes.

Submissions (2):

Labcorp Genetics (formerly Invitae), Labcorp
Classification: Uncertain significance for Hereditary breast ovarian cancer syndrome. Last evaluated: 2025-11-05. Review status: criteria provided, single submitter. Criteria: Invitae Variant Classification Sherloc (09022015). Collection method: clinical testing. Allele origin: germline.
Comment: This sequence change replaces lysine, which is basic and polar, with methionine, which is neutral and non-polar, at codon 2472 of the BRCA2 protein (p.Lys2472Met). This variant is not present in population databases (gnomAD no frequency). This variant has not been reported in the literature in individuals affected with BRCA2-related conditions. ClinVar contains an entry for this variant (Variation ID: 1758801). Invitae Evidence Modeling of protein sequence and biophysical properties (such as structural, functional, and spatial information, amino acid conservation, physicochemical variation, residue mobility, and thermodynamic stability) indicates that this missense variant is not expected to disrupt BRCA2 protein function with a negative predictive value of 95%. In summary, the available evidence is currently insufficient to determine the role of this variant in disease. Therefore, it has been classified as a Variant of Uncertain Significance.

Ambry Genetics
Classification: Uncertain significance for Hereditary cancer-predisposing syndrome. Last evaluated: 2022-10-28. Review status: criteria provided, single submitter. Criteria: Ambry Variant Classification Scheme 2023. Collection method: clinical testing. Allele origin: germline.
Comment: The p.K2472M variant (also known as c.7415A>T), located in coding exon 13 of the BRCA2 gene, results from an A to T substitution at nucleotide position 7415. The lysine at codon 2472 is replaced by methionine, an amino acid with similar properties. This amino acid position is conserved. In addition, this alteration is predicted to be tolerated by in silico analysis. Since supporting evidence is limited at this time, the clinical significance of this alteration remains unclear.